The following is an entry in ClinVar:

ClinVar aggregate classification (germline): Conflicting classifications of pathogenicity. Review status: criteria provided, conflicting classifications (1 of 4 stars). 2 submissions from 2 submitters: Uncertain significance (1); Likely benign (1). Last evaluated 2025-05-26.

Conditions:
Congenital contractural arachnodactyly (CCA). Also called: BEALS SYNDROME; Arthrogryposis, distal, type 9; Beals-Hecht syndrome. Identifiers: Orphanet 115, MedGen C0220668, MONDO:0007363, OMIM 121050.

Allele frequency attached by ClinVar (database versions not stated): gnomAD 0.00001; gnomAD exomes 0.00001; ESP Exome Variant Server 0.00008; TOPMed below 0.00001; ExAC 0.00001.
gnomAD v4.1: 11 of 1,613,922 alleles (0.00068%); highest among the groups gnomAD compares: South Asian, 0.0011%; no homozygotes.

Submissions (2):

Labcorp Genetics (formerly Invitae), Labcorp
Classification: Likely benign for Congenital contractural arachnodactyly. Last evaluated: 2025-05-26. Review status: criteria provided, single submitter. Criteria: Invitae Variant Classification Sherloc (09022015). Collection method: clinical testing. Allele origin: germline.

GeneDx
Classification: Uncertain significance. Last evaluated: 2019-10-04. Review status: criteria provided, single submitter. Criteria: GeneDx Variant Classification Process June 2021. Collection method: clinical testing. Allele origin: germline. Affected: yes.
Comment: Has not been previously published as pathogenic or benign to our knowledge; Not observed at a significant frequency in large population cohorts (Lek et al., 2016); In silico analysis, which includes protein predictors and evolutionary conservation, supports a deleterious effect; Does not affect a cysteine residue within a calcium-binding EGF-like domain of the FBN2 gene; cysteine substitutions in the calcium-binding EGF-like domains represent the majority of pathogenic missense changes associated with FBN2-related disorders (Collod-Beroud et al., 2003; Frederic et al., 2009).; Reported in ClinVar but additional evidence is not available (ClinVar Variant ID# 411830; Landrum et al., 2016)

NM_001999.4(FBN2):c.1151C>T (p.Thr384Met)

Gene: FBN2 (fibrillin 2; minus strand). Cytogenetic location: 5q23.3.
Variant type: single nucleotide variant.
Coding change: c.1151C>T on transcript NM_001999.4 (MANE Select); coding-DNA position 1151, C replaced by T.
Protein change: p.Thr384Met; replaces threonine 384 with methionine.
Molecular consequence: missense variant.
Genome position (GRCh38, 1-based): chr5:128,395,202, G>A on the plus strand (C>T on the coding strand, the complement: FBN2 is on the minus strand). VCF-style: chr5-128395202-G-A. GRCh37 (hg19) VCF-style: chr5-127730895-G-A.
Other names: short protein forms T384M.
Identifiers: ClinVar variation 411830 (VCV000411830.8), dbSNP rs371826887, ClinGen allele CA3395870.